The following is an entry in ClinVar:

NM_000278.5(PAX2):c.43+3G>A

Gene: PAX2 (paired box 2; plus strand). Cytogenetic location: 10q24.31.
Variant type: single nucleotide variant.
Coding change: c.43+3G>A on transcript NM_000278.5 (MANE Select); 3 bases into the intron after coding-DNA position 43, G replaced by A.
Molecular consequence: intron variant.
Genome position (GRCh38, 1-based): chr10:100,746,306, G>A. VCF-style: chr10-100746306-G-A. GRCh37 (hg19) VCF-style: chr10-102506063-G-A.
Other names: c.136+3G>A (NM_001304569.2, NM_001374303.1); c.43+3G>A (NM_003987.5, NM_003990.5, NM_003988.5 and 1 more transcripts).
Identifiers: ClinVar variation 2937238 (VCV002937238.3), dbSNP rs773518976, ClinGen allele CA5650610.

ClinVar aggregate classification (germline): Uncertain significance (1 of 4 stars; one submission).

Conditions:
Renal coloboma syndrome (PAPRS). Also called: OPTIC COLOBOMA, VESICOURETERAL REFLUX, AND RENAL ANOMALIES; OPTIC NERVE COLOBOMA WITH RENAL DISEASE; RENAL-COLOBOMA SYNDROME WITH MACULAR ABNORMALITIES; PAPILLORENAL SYNDROME WITH MILD OCULAR ABNORMALITIES; PAPILLORENAL SYNDROME; COLOBOMA OF OPTIC NERVE WITH RENAL DISEASE. Identifiers: Orphanet 1475, MedGen C1852759, MONDO:0007352, OMIM 120330.
Focal segmental glomerulosclerosis 7 (FSGS7). Identifiers: Orphanet 656, MedGen C4014925, MONDO:0014451, OMIM 616002.

Allele frequency attached by ClinVar (database versions not stated): gnomAD exomes below 0.00001; ExAC 0.00002.
gnomAD v4.1: 1 of 1,592,648 alleles (0.000063%); highest among the groups gnomAD compares: Non-Finnish European, 0.000086%; no homozygotes.

Submission:

Labcorp Genetics (formerly Invitae), Labcorp
Classification: Uncertain significance for Renal coloboma syndrome; Focal segmental glomerulosclerosis 7. Last evaluated: 2023-12-16. Review status: criteria provided, single submitter. Criteria: Invitae Variant Classification Sherloc (09022015). Collection method: clinical testing. Allele origin: germline.
Comment: This sequence change falls in intron 1 of the PAX2 gene. It does not directly change the encoded amino acid sequence of the PAX2 protein. It affects a nucleotide within the consensus splice site. This variant is present in population databases (rs773518976, gnomAD 0.002%). This variant has not been reported in the literature in individuals affected with PAX2-related conditions. Variants that disrupt the consensus splice site are a relatively common cause of aberrant splicing (PMID: 17576681, 9536098). Algorithms developed to predict the effect of sequence changes on RNA splicing suggest that this variant is not likely to affect RNA splicing. In summary, the available evidence is currently insufficient to determine the role of this variant in disease. Therefore, it has been classified as a Variant of Uncertain Significance.

Literature cited by the submitters: PubMed 17576681; PubMed 9536098.